The following is an entry in ClinVar:

ClinVar aggregate classification (germline): Likely benign (1 of 4 stars; one submission).

Allele frequency attached by ClinVar (database versions not stated): ESP Exome Variant Server 0.00023; gnomAD 0.00039; ExAC 0.00047; TOPMed 0.00053.
gnomAD v4.1: 660 of 1,614,128 alleles (0.041%); highest among the groups gnomAD compares: Middle Eastern, 1.4%; 7 homozygotes.

Submission:

CeGaT Center for Human Genetics Tuebingen
Classification: Likely benign. Last evaluated: 2023-11-01. Review status: criteria provided, single submitter. Criteria: CeGaT Center For Human Genetics Tuebingen Variant Classification Criteria Version 2. Collection method: clinical testing. Allele origin: germline. Affected: yes. Observed: 1 variant allele.
Comment: ZNF229: BP4

NM_014518.4(ZNF229):c.1443G>T (p.Lys481Asn)

Gene: ZNF229 (zinc finger protein 229; minus strand). Cytogenetic location: 19q13.31.
Variant type: single nucleotide variant.
Coding change: c.1443G>T on transcript NM_014518.4 (MANE Select); coding-DNA position 1443, G replaced by T.
Protein change: p.Lys481Asn; replaces lysine 481 with asparagine.
Molecular consequence: missense variant. On other transcripts: non-coding transcript variant (1).
Genome position (GRCh38, 1-based): chr19:44,429,338, C>A on the plus strand (G>T on the coding strand, the complement: ZNF229 is on the minus strand). VCF-style: chr19-44429338-C-A. GRCh37 (hg19) VCF-style: chr19-44933513-C-A.
Other names: c.1425G>T, p.Lys475Asn (NM_001278510.3); short protein forms K475N, K481N.
Identifiers: ClinVar variation 2672773 (VCV002672773.23), dbSNP rs201533514, ClinGen allele CA9500597.
Genomic context (GRCh38, chr19:44,429,338, plus strand): 5'-GTTGTGACTGAAACCTTTGCCACACTTGTCACACTGGTAGGGCCTCTCGCCGGTGTGTGT[C>A]TTCTGATGACTGCTGAGGTGGGAGCTGCAGCTGAATCCCTTTCCACACTCGCCACAGCTG-3'
Protein context (NP_055333.3, residues 471-491): SCSSHLSSHQ[Lys481Asn]THTGERPYQC